The following is an entry in ClinVar:

NM_000744.7(CHRNA4):c.1765G>A (p.Glu589Lys)

Gene: CHRNA4 (cholinergic receptor nicotinic alpha 4 subunit; minus strand). Cytogenetic location: 20q13.33.
Variant type: single nucleotide variant.
Coding change: c.1765G>A on transcript NM_000744.7 (MANE Select); coding-DNA position 1765, G replaced by A.
Protein change: p.Glu589Lys; replaces glutamic acid 589 with lysine.
Molecular consequence: missense variant. On other transcripts: non-coding transcript variant (1).
Genome position (GRCh38, 1-based): chr20:63,346,857, C>T on the plus strand (G>A on the coding strand, the complement: CHRNA4 is on the minus strand). VCF-style: chr20-63346857-C-T. GRCh37 (hg19) VCF-style: chr20-61978209-C-T.
Other names: c.1237G>A, p.Glu413Lys (NM_001256573.2); short protein forms E589K, E413K.
Identifiers: ClinVar variation 426597 (VCV000426597.15), dbSNP rs749939383, ClinGen allele CA9957497.
Genomic context (GRCh38, chr20:63,346,857, plus strand): 5'-CGATGATGAACATCCAGAGGAAGATGCGGTCGATGACCATGGCCACGTACTTCCAGTCCT[C>T]CTTCACCTGCAAGCACAGACGCCGTCACTCCAGCACGGCCCGGCCGCCGCCAGCGGGGAC-3'
Protein context (NP_000735.1, residues 579-599): KAEDTDFSVK[Glu589Lys]DWKYVAMVID

ClinVar aggregate classification (germline): Conflicting classifications of pathogenicity. Review status: criteria provided, conflicting classifications (1 of 4 stars). 3 submissions from 3 submitters: Uncertain significance (1); Likely benign (2). Last evaluated 2025-09-30.

Conditions:
Familial sleep-related hypermotor epilepsy. Also called: Autosomal Dominant Sleep-Related Hypermotor (Hyperkinetic) Epilepsy. Identifiers: Orphanet 98784, MedGen C3696898, MONDO:0000030.
Inborn genetic diseases. Identifiers: MedGen C0950123, MeSH D030342.

Allele frequency attached by ClinVar (database versions not stated): ExAC 0.00002; gnomAD exomes 0.00004 and 0.00002; gnomAD 0.00001.
gnomAD v4.1: 41 of 1,612,380 alleles (0.0025%); highest among the groups gnomAD compares: Admixed American, 0.005%; no homozygotes.

Submissions (3):

GeneDx
Classification: Uncertain significance. Last evaluated: 2025-09-30. Review status: criteria provided, single submitter. Criteria: GeneDx Variant Classification Process June 2021. Collection method: clinical testing. Allele origin: germline. Affected: yes.
Comment: In silico analysis supports that this missense variant has a deleterious effect on protein structure/function; Has not been previously published as pathogenic or benign to our knowledge

Ambry Genetics
Classification: Likely benign for Inborn genetic diseases. Last evaluated: 2024-04-24. Review status: criteria provided, single submitter. Criteria: Ambry Variant Classification Scheme 2023. Collection method: clinical testing. Allele origin: germline.

Labcorp Genetics (formerly Invitae), Labcorp
Classification: Likely benign. Last evaluated: 2024-03-03. Review status: criteria provided, single submitter. Criteria: Invitae Variant Classification Sherloc (09022015). Collection method: clinical testing. Allele origin: germline.